The following is an entry in ClinVar:

ClinVar aggregate classification (germline): Uncertain significance (1 of 4 stars; one submission).

Conditions:
Bethlem myopathy 1A. Also called: MYOPATHY, BENIGN CONGENITAL, WITH CONTRACTURES; Bethlem myopathy 1; Bethlem Muscular Dystrophy. Identifiers: Orphanet 610, MedGen CN029274, MONDO:0024530, OMIM 158810.

Submission:

Labcorp Genetics (formerly Invitae), Labcorp
Classification: Uncertain significance for Bethlem myopathy 1A. Last evaluated: 2022-06-08. Review status: criteria provided, single submitter. Criteria: Invitae Variant Classification Sherloc (09022015). Collection method: clinical testing. Allele origin: germline.
Comment: In summary, the available evidence is currently insufficient to determine the role of this variant in disease. Therefore, it has been classified as a Variant of Uncertain Significance. Advanced modeling of protein sequence and biophysical properties (such as structural, functional, and spatial information, amino acid conservation, physicochemical variation, residue mobility, and thermodynamic stability) performed at Invitae indicates that this missense variant is expected to disrupt COL6A2 protein function. This variant has not been reported in the literature in individuals affected with COL6A2-related conditions. This variant is not present in population databases (gnomAD no frequency). This sequence change replaces aspartic acid, which is acidic and polar, with tyrosine, which is neutral and polar, at codon 446 of the COL6A2 protein (p.Asp446Tyr).

NM_001849.4(COL6A2):c.1336G>T (p.Asp446Tyr)

Gene: COL6A2 (collagen type VI alpha 2 chain; plus strand). Cytogenetic location: 21q22.3.
Variant type: single nucleotide variant.
Coding change: c.1336G>T on transcript NM_001849.4 (MANE Select); coding-DNA position 1336, G replaced by T.
Protein change: p.Asp446Tyr; replaces aspartic acid 446 with tyrosine.
Molecular consequence: missense variant.
Genome position (GRCh38, 1-based): chr21:46,120,518, G>T. VCF-style: chr21-46120518-G-T. GRCh37 (hg19) VCF-style: chr21-47540432-G-T.
Other names: c.1336G>T, p.Asp446Tyr (NM_058174.3, NM_058175.3); short protein forms D446Y.
Identifiers: ClinVar variation 1972857 (VCV001972857.5), dbSNP rs535007570, ClinGen allele CA410530662.